The following is an entry in ClinVar:

ClinVar aggregate classification (germline): Uncertain significance. Review status: criteria provided, multiple submitters, no conflicts (2 of 4 stars). 2 submissions from 2 submitters: Uncertain significance (2). Last evaluated 2022-05-17.

Conditions:
Hereditary sensory and autonomic neuropathy type 7. Also called: Neuropathy, hereditary sensory and autonomic, type VII; HSAN VII. Identifiers: Orphanet 391397, MedGen C3809882, MONDO:0014244, OMIM 615548.
Familial episodic pain syndrome with predominantly lower limb involvement. Also called: Episodic pain syndrome, familial, 3. Identifiers: Orphanet 391384, Orphanet 391392, MedGen C3809899, MONDO:0014247, OMIM 615552.

Allele frequency attached by ClinVar (database versions not stated): gnomAD exomes below 0.00001; TOPMed below 0.00001.
gnomAD v4.1: 2 of 1,614,148 alleles (0.00012%); highest among the groups gnomAD compares: Non-Finnish European, 0.000085%; no homozygotes.

Submissions (2):

Labcorp Genetics (formerly Invitae), Labcorp
Classification: Uncertain significance for Familial episodic pain syndrome with predominantly lower limb involvement; Hereditary sensory and autonomic neuropathy type 7. Last evaluated: 2022-05-17. Review status: criteria provided, single submitter. Criteria: Invitae Variant Classification Sherloc (09022015). Collection method: clinical testing. Allele origin: germline.
Comment: In summary, the available evidence is currently insufficient to determine the role of this variant in disease. Therefore, it has been classified as a Variant of Uncertain Significance. Algorithms developed to predict the effect of missense changes on protein structure and function output the following: SIFT: "Tolerated"; PolyPhen-2: "Benign"; Align-GVGD: "Class C0". The alanine amino acid residue is found in multiple mammalian species, which suggests that this missense change does not adversely affect protein function. This variant has not been reported in the literature in individuals affected with SCN11A-related conditions. This variant is not present in population databases (gnomAD no frequency). This sequence change replaces threonine, which is neutral and polar, with alanine, which is neutral and non-polar, at codon 849 of the SCN11A protein (p.Thr849Ala).

Laboratorio de Genetica e Diagnostico Molecular, Hospital Israelita Albert Einstein
Classification: Uncertain significance. Last evaluated: 2021-03-31. Review status: criteria provided, single submitter. Criteria: ACMG Guidelines, 2015. Collection method: clinical testing. Allele origin: germline. Affected: yes.
Comment: ACMG classification criteria: PM2, BP4

NM_001349253.2(SCN11A):c.2545A>G (p.Thr849Ala)

Gene: SCN11A (sodium voltage-gated channel alpha subunit 11; minus strand). Cytogenetic location: 3p22.2.
Variant type: single nucleotide variant.
Coding change: c.2545A>G on transcript NM_001349253.2 (MANE Select); coding-DNA position 2545, A replaced by G.
Protein change: p.Thr849Ala; replaces threonine 849 with alanine.
Molecular consequence: missense variant.
Genome position (GRCh38, 1-based): chr3:38,894,823, T>C on the plus strand (A>G on the coding strand, the complement: SCN11A is on the minus strand). VCF-style: chr3-38894823-T-C. GRCh37 (hg19) VCF-style: chr3-38936314-T-C.
Other names: c.2545A>G, p.Thr849Ala (NM_014139.3); short protein forms T849A.
Identifiers: ClinVar variation 1691017 (VCV001691017.7), dbSNP rs962404776, ClinGen allele CA72997672.